The following is an entry in ClinVar:

NM_000186.4(CFH):c.3611G>C (p.Gly1204Ala)

Gene: CFH (complement factor H; plus strand). Cytogenetic location: 1q31.3.
Variant type: single nucleotide variant.
Coding change: c.3611G>C on transcript NM_000186.4 (MANE Select); coding-DNA position 3611, G replaced by C.
Protein change: p.Gly1204Ala; replaces glycine 1204 with alanine.
Molecular consequence: missense variant.
Genome position (GRCh38, 1-based): chr1:196,747,228, G>C. VCF-style: chr1-196747228-G-C. GRCh37 (hg19) VCF-style: chr1-196716358-G-C.
Other names: short protein forms G1204A.
Identifiers: ClinVar variation 4527604 (VCV004527604.1).

ClinVar aggregate classification (germline): Uncertain significance (1 of 4 stars; one submission).

Submission:

GeneDx
Classification: Uncertain significance. Last evaluated: 2025-04-25. Review status: criteria provided, single submitter. Criteria: GeneDx Variant Classification Process June 2021. Collection method: clinical testing. Allele origin: germline. Affected: yes.
Comment: Not observed at significant frequency in large population cohorts (gnomAD); In silico analysis supports that this missense variant has a deleterious effect on protein structure/function; Has not been previously published as pathogenic or benign to our knowledge